The following is an entry in ClinVar:

NM_006180.6(NTRK2):c.1319C>T (p.Ala440Val)

Gene: NTRK2 (neurotrophic receptor tyrosine kinase 2; plus strand). Cytogenetic location: 9q21.33.
Variant type: single nucleotide variant.
Coding change: c.1319C>T on transcript NM_006180.6 (MANE Select); coding-DNA position 1319, C replaced by T.
Protein change: p.Ala440Val; replaces alanine 440 with valine.
Molecular consequence: missense variant.
Genome position (GRCh38, 1-based): chr9:84,752,008, C>T. VCF-style: chr9-84752008-C-T. GRCh37 (hg19) VCF-style: chr9-87366923-C-T.
Other names: c.1319C>T, p.Ala440Val (NM_001007097.3, NM_001018064.3, NM_001018065.2 and 15 more transcripts); c.1280C>T, p.Ala427Val (NM_001291937.2, NM_001369546.1); c.1283C>T, p.Ala428Val (NM_001369534.1); c.851C>T, p.Ala284Val (NM_001369535.1, NM_001369536.1, NM_001369550.1 and 2 more transcripts); c.1319C>T (NM_006180.4); short protein forms A428V, A284V, A427V, A440V.
Identifiers: ClinVar variation 1390937 (VCV001390937.10), dbSNP rs1332713570, ClinGen allele CA374008262.

ClinVar aggregate classification (germline): Uncertain significance. Review status: criteria provided, multiple submitters, no conflicts (2 of 4 stars). 3 submissions from 3 submitters: Uncertain significance (2). 1 of the submissions does not count toward it. Last evaluated 2024-10-15.

Conditions:
Obesity, hyperphagia, and developmental delay (OBHD). Identifiers: Orphanet 99704, MedGen C3151303, MONDO:0013483, OMIM 613886.
NTRK2-related disorder. Also called: NTRK2-related condition.

Allele frequency attached by ClinVar (database versions not stated): TOPMed 0.00001; gnomAD 0.00001; gnomAD exomes 0.00001.
gnomAD v4.1: 11 of 1,613,798 alleles (0.00068%); highest among the groups gnomAD compares: Middle Eastern, 0.033%; no homozygotes.

Submissions (3):

Labcorp Genetics (formerly Invitae), Labcorp
Classification: Uncertain significance. Last evaluated: 2024-10-15. Review status: criteria provided, single submitter. Criteria: Invitae Variant Classification Sherloc (09022015). Collection method: clinical testing. Allele origin: germline.
Comment: This sequence change replaces alanine, which is neutral and non-polar, with valine, which is neutral and non-polar, at codon 440 of the NTRK2 protein (p.Ala440Val). This variant is present in population databases (no rsID available, gnomAD 0.01%). This variant has not been reported in the literature in individuals affected with NTRK2-related conditions. ClinVar contains an entry for this variant (Variation ID: 1390937). Invitae Evidence Modeling of protein sequence and biophysical properties (such as structural, functional, and spatial information, amino acid conservation, physicochemical variation, residue mobility, and thermodynamic stability) indicates that this missense variant is not expected to disrupt NTRK2 protein function with a negative predictive value of 80%. In summary, the available evidence is currently insufficient to determine the role of this variant in disease. Therefore, it has been classified as a Variant of Uncertain Significance.

Genomic Medicine Center of Excellence, King Faisal Specialist Hospital and Research Centre
Classification: Uncertain significance for Obesity, hyperphagia, and developmental delay. Last evaluated: 2024-04-04. Review status: criteria provided, single submitter. Criteria: ACMG Guidelines, 2015. Collection method: clinical testing. Allele origin: germline.

PreventionGenetics, part of Exact Sciences
Classification: Uncertain significance for NTRK2-related condition. Last evaluated: 2024-09-24. Review status: no assertion criteria provided. Collection method: clinical testing. Allele origin: germline. Not counted in ClinVar's aggregate classification.
Comment: The NTRK2 c.1319C>T variant is predicted to result in the amino acid substitution p.Ala440Val. To our knowledge, this variant has not been reported in the literature. This variant is reported in 0.0099% of alleles in individuals of Ashkenazi Jewish descent in gnomAD. At this time, the clinical significance of this variant is uncertain due to the absence of conclusive functional and genetic evidence.